The following is an entry in ClinVar:

ClinVar aggregate classification (germline): Uncertain significance (1 of 4 stars; one submission).

Conditions:
Retinoblastoma (RB1). Also called: RETINOBLASTOMA, SOMATIC. Identifiers: Orphanet 790, MedGen C0035335, MeSH D012175, MONDO:0008380, OMIM 180200, HP:0009919. Disease mechanism: loss of function. Inheritance: Both sporadic and heritable forms are tested..

Submission:

Labcorp Genetics (formerly Invitae), Labcorp
Classification: Uncertain significance for Retinoblastoma. Last evaluated: 2025-12-17. Review status: criteria provided, single submitter. Criteria: Invitae Variant Classification Sherloc (09022015). Collection method: clinical testing. Allele origin: germline.
Comment: This sequence change falls in intron 20 of the RB1 gene. It does not directly change the encoded amino acid sequence of the RB1 protein. This variant is not present in population databases (gnomAD no frequency). This variant has not been reported in the literature in individuals affected with RB1-related conditions. ClinVar contains an entry for this variant (Variation ID: 1462424). Studies have shown that this variant is associated with inconclusive levels of altered splicing (internal data). In summary, the available evidence is currently insufficient to determine the role of this variant in disease. Therefore, it has been classified as a Variant of Uncertain Significance.

NM_000321.3(RB1):c.2107-13A>G

Gene: RB1 (RB transcriptional corepressor 1; plus strand). Cytogenetic location: 13q14.2.
Variant type: single nucleotide variant.
Coding change: c.2107-13A>G on transcript NM_000321.3 (MANE Select); 13 bases into the intron before coding-DNA position 2107, A replaced by G.
Molecular consequence: intron variant.
Genome position (GRCh38, 1-based): chr13:48,463,718, A>G. VCF-style: chr13-48463718-A-G. GRCh37 (hg19) VCF-style: chr13-49037854-A-G.
Identifiers: ClinVar variation 1462424 (VCV001462424.6), dbSNP rs773509289, ClinGen allele CA2573149598.